The following is an entry in ClinVar:

ClinVar aggregate classification (germline): Likely pathogenic (1 of 4 stars; one submission).

Conditions:
Developmental and epileptic encephalopathy, 12 (DEE12). Identifiers: MedGen C3150988, MONDO:0013389, OMIM 613722.

Allele frequency attached by ClinVar (database versions not stated): gnomAD exomes below 0.00001.
gnomAD v4.1: 1 of 1,612,808 alleles (0.000062%); highest among the groups gnomAD compares: Non-Finnish European, 0.000085%; no homozygotes.

Submission:

Labcorp Genetics (formerly Invitae), Labcorp
Classification: Likely pathogenic for Developmental and epileptic encephalopathy, 12. Last evaluated: 2025-06-16. Review status: criteria provided, single submitter. Criteria: Invitae Variant Classification Sherloc (09022015). Collection method: clinical testing. Allele origin: germline.
Comment: This sequence change affects a donor splice site in intron 20 of the PLCB1 gene. It is expected to disrupt RNA splicing. Variants that disrupt the donor or acceptor splice site typically lead to a loss of protein function (PMID: 16199547), and loss-of-function variants in PLCB1 are known to be pathogenic (PMID: 24684524). This variant is present in population databases (no rsID available, gnomAD 0.0009%). This variant has not been reported in the literature in individuals affected with PLCB1-related conditions. ClinVar contains an entry for this variant (Variation ID: 1486443). Algorithms developed to predict the effect of sequence changes on RNA splicing suggest that this variant may disrupt the consensus splice site. In summary, the currently available evidence indicates that the variant is pathogenic, but additional data are needed to prove that conclusively. Therefore, this variant has been classified as Likely Pathogenic.

Literature cited by the submitters: PubMed 16199547; PubMed 24684524.

NM_015192.4(PLCB1):c.2208+1G>A

Gene: PLCB1 (phospholipase C beta 1; plus strand). Cytogenetic location: 20p12.3.
Variant type: single nucleotide variant.
Coding change: c.2208+1G>A on transcript NM_015192.4 (MANE Select); the canonical splice donor site of the intron after coding-DNA position 2208, G replaced by A.
Molecular consequence: splice donor variant.
Genome position (GRCh38, 1-based): chr20:8,737,193, G>A. VCF-style: chr20-8737193-G-A. GRCh37 (hg19) VCF-style: chr20-8717840-G-A.
Other names: c.2208+1G>A (NM_182734.3).
Identifiers: ClinVar variation 1486443 (VCV001486443.6), dbSNP rs1235234848, ClinGen allele CA408207260.
Genomic context (GRCh38, chr20:8,737,193, plus strand): 5'-ACATCCCAAGGAAATGCTGTGAATCCTGTCTGGGAAGAAGAACCTATTGTGTTCAAAAAG[G>A]TTGGTCACATGTTCTTGATATGAGTTATAACTGCATTTTTCAGGTGTTTTACACTGAGAA-3'